The following is an entry in ClinVar:

ClinVar aggregate classification (germline): Uncertain significance. Review status: criteria provided, multiple submitters, no conflicts (2 of 4 stars). 2 submissions from 2 submitters: Uncertain significance (2). Last evaluated 2023-11-28.

Conditions:
Inborn genetic diseases. Identifiers: MedGen C0950123, MeSH D030342.

Allele frequency attached by ClinVar (database versions not stated): gnomAD 0.00001; TOPMed 0.00001; gnomAD exomes 0.00006 and 0.00009; ExAC 0.00012.

Submissions (2):

Labcorp Genetics (formerly Invitae), Labcorp
Classification: Uncertain significance. Last evaluated: 2023-11-28. Review status: criteria provided, single submitter. Criteria: Invitae Variant Classification Sherloc (09022015). Collection method: clinical testing. Allele origin: germline.
Comment: This sequence change replaces glutamic acid, which is acidic and polar, with lysine, which is basic and polar, at codon 352 of the ASAH1 protein (p.Glu352Lys). This variant is present in population databases (rs567086714, gnomAD 0.07%). This variant has not been reported in the literature in individuals affected with ASAH1-related conditions. ClinVar contains an entry for this variant (Variation ID: 1349962). Advanced modeling of protein sequence and biophysical properties (such as structural, functional, and spatial information, amino acid conservation, physicochemical variation, residue mobility, and thermodynamic stability) performed at Invitae indicates that this missense variant is not expected to disrupt ASAH1 protein function with a negative predictive value of 80%. In summary, the available evidence is currently insufficient to determine the role of this variant in disease. Therefore, it has been classified as a Variant of Uncertain Significance.

Ambry Genetics
Classification: Uncertain significance for Inborn genetic diseases. Last evaluated: 2021-08-12. Review status: criteria provided, single submitter. Criteria: Ambry Variant Classification Scheme 2023. Collection method: clinical testing. Allele origin: germline.

NM_177924.5(ASAH1):c.1054G>A (p.Glu352Lys)

Gene: ASAH1 (N-acylsphingosine amidohydrolase 1; minus strand). Cytogenetic location: 8p22.
Variant type: single nucleotide variant.
Coding change: c.1054G>A on transcript NM_177924.5 (MANE Select); coding-DNA position 1054, G replaced by A.
Protein change: p.Glu352Lys; replaces glutamic acid 352 with lysine.
Molecular consequence: missense variant.
Genome position (GRCh38, 1-based): chr8:18,058,879, C>T on the plus strand (G>A on the coding strand, the complement: ASAH1 is on the minus strand). VCF-style: chr8-18058879-C-T. GRCh37 (hg19) VCF-style: chr8-17916388-C-T.
Other names: c.1036G>A, p.Glu346Lys (NM_001127505.3); c.859G>A, p.Glu287Lys (NM_001363743.2); c.1102G>A, p.Glu368Lys (NM_004315.6); c.1054G>A (NM_177924.3); short protein forms E287K, E346K, E352K, E368K.
Identifiers: ClinVar variation 1349962 (VCV001349962.7), dbSNP rs567086714, ClinGen allele CA4650554.